The following is an entry in ClinVar:

NM_004656.4(BAP1):c.1025G>C (p.Ser342Thr)

Gene: BAP1 (BRCA1 associated deubiquitinase 1; minus strand). Cytogenetic location: 3p21.1.
Variant type: single nucleotide variant.
Coding change: c.1025G>C on transcript NM_004656.4 (MANE Select); coding-DNA position 1025, G replaced by C.
Protein change: p.Ser342Thr; replaces serine 342 with threonine.
Molecular consequence: missense variant.
Genome position (GRCh38, 1-based): chr3:52,405,201, C>G on the plus strand (G>C on the coding strand, the complement: BAP1 is on the minus strand). VCF-style: chr3-52405201-C-G. GRCh37 (hg19) VCF-style: chr3-52439217-C-G.
Other names: c.971G>C, p.Ser324Thr (NM_001410772.1); short protein forms S324T, S342T.
Identifiers: ClinVar variation 3819336 (VCV003819336.1).

ClinVar aggregate classification (germline): Uncertain significance (1 of 4 stars; one submission).

Conditions:
Hereditary cancer-predisposing syndrome. Also called: Hereditary neoplastic syndrome; Neoplastic Syndromes, Hereditary; Tumor predisposition; Hereditary Cancer Syndrome. Identifiers: Orphanet 140162, MedGen C0027672, MeSH D009386, MONDO:0015356.

Submission:

Ambry Genetics
Classification: Uncertain significance for Hereditary cancer-predisposing syndrome. Last evaluated: 2025-03-03. Review status: criteria provided, single submitter. Criteria: Ambry Variant Classification Scheme 2023. Collection method: clinical testing. Allele origin: germline.
Comment: The p.S342T variant (also known as c.1025G>C), located in coding exon 11 of the BAP1 gene, results from a G to C substitution at nucleotide position 1025. The serine at codon 342 is replaced by threonine, an amino acid with similar properties. This amino acid position is conserved. In addition, this alteration is predicted to be tolerated by in silico analysis. Based on the available evidence, the clinical significance of this variant remains unclear.